The following is an entry in ClinVar:

ClinVar aggregate classification (germline): Conflicting classifications of pathogenicity. Review status: criteria provided, conflicting classifications (1 of 4 stars). 2 submissions from 2 submitters: Uncertain significance (1); Likely benign (1). Last evaluated 2025-12-04.

Conditions:
Hereditary cancer-predisposing syndrome. Also called: Neoplastic Syndromes, Hereditary; Hereditary neoplastic syndrome; Tumor predisposition; Hereditary Cancer Syndrome. Identifiers: Orphanet 140162, MedGen C0027672, MeSH D009386, MONDO:0015356.
Cardiovascular phenotype. Identifiers: MedGen CN230736.
Neurofibromatosis, type 1 (NF1). Also called: Peripheral type neurofibromatosis; VON RECKLINGHAUSEN DISEASE; Neurofibromatosis, type I; NEUROFIBROMATOSIS, TYPE I, SOMATIC. Identifiers: Orphanet 636, MedGen C0027831, MONDO:0018975, OMIM 162200. Disease mechanism: loss of function.

Allele frequency attached by ClinVar (database versions not stated): gnomAD exomes 0.00001; ExAC 0.00003.
gnomAD v4.1: 6 of 1,613,830 alleles (0.00037%); highest among the groups gnomAD compares: South Asian, 0.0066%; no homozygotes.

Submissions (2):

Labcorp Genetics (formerly Invitae), Labcorp
Classification: Uncertain significance for Neurofibromatosis, type 1. Last evaluated: 2025-12-04. Review status: criteria provided, single submitter. Criteria: Invitae Variant Classification Sherloc (09022015). Collection method: clinical testing. Allele origin: germline.
Comment: This sequence change replaces glutamine, which is neutral and polar, with lysine, which is basic and polar, at codon 282 of the NF1 protein (p.Gln282Lys). This variant is present in population databases (rs753054046, gnomAD 0.01%). This variant has not been reported in the literature in individuals affected with NF1-related conditions. ClinVar contains an entry for this variant (Variation ID: 845857). Invitae Evidence Modeling of protein sequence and biophysical properties (such as structural, functional, and spatial information, amino acid conservation, physicochemical variation, residue mobility, and thermodynamic stability) indicates that this missense variant is not expected to disrupt NF1 protein function with a negative predictive value of 95%. In summary, the available evidence is currently insufficient to determine the role of this variant in disease. Therefore, it has been classified as a Variant of Uncertain Significance.

Ambry Genetics
Classification: Likely benign for Cardiovascular phenotype; Hereditary cancer-predisposing syndrome. Last evaluated: 2023-06-29. Review status: criteria provided, single submitter. Criteria: Ambry Variant Classification Scheme 2023. Collection method: clinical testing. Allele origin: germline.

NM_001042492.3(NF1):c.844C>A (p.Gln282Lys)

Gene: NF1 (neurofibromin 1; plus strand). Cytogenetic location: 17q11.2.
Variant type: single nucleotide variant.
Coding change: c.844C>A on transcript NM_001042492.3 (MANE Select); coding-DNA position 844, C replaced by A.
Protein change: p.Gln282Lys; replaces glutamine 282 with lysine.
Molecular consequence: missense variant.
Genome position (GRCh38, 1-based): chr17:31,182,621, C>A. VCF-style: chr17-31182621-C-A. GRCh37 (hg19) VCF-style: chr17-29509639-C-A.
Other names: c.844C>A, p.Gln282Lys (NM_000267.4, NM_001128147.3); short protein forms Q282K.
Identifiers: ClinVar variation 845857 (VCV000845857.9), dbSNP rs753054046, ClinGen allele CA8485644.
Genomic context (GRCh38, chr17:31,182,621, plus strand): 5'-CGTAAAGCAGCAGTTTGGCCACTACAAATCATTCTCCTTATCTTGTGTCCAGAAATAATC[C>A]AGGATATATCCAAAGACGTGGTTGATGAAAACAACATGAATAAGGTAAGGAGGGCAAAAT-3'
Protein context (NP_001035957.1, residues 272-292): ILLILCPEII[Gln282Lys]DISKDVVDEN